The following is an entry in ClinVar:

NM_145331.3(MAP3K7):c.21CTC[4] (p.Ser14del)

Gene: MAP3K7 (mitogen-activated protein kinase kinase kinase 7; minus strand). Cytogenetic location: 6q15.
Variant type: Microsatellite.
Coding change: c.21CTC[4] on transcript NM_145331.3 (MANE Select); four copies in a row of the 3-base unit CTC starting at c.21; the reference has five copies in a row; one copy, 3 bases deleted.
Protein change: p.Ser14del; deletes serine 14.
Molecular consequence: inframe deletion.
Genome position (GRCh38, 1-based): chr6:90,586,849-90,586,851, GAG deleted on the plus strand (CTC on the coding strand, the reverse complement: MAP3K7 is on the minus strand); deleting any 3 consecutive bases within chr6:90,586,849-90,586,864 gives the same sequence; the position shown is the placement nearest the transcript's 3' end. VCF-style (leftmost placement, unchanged base first): chr6-90586848-CGAG-C. GRCh37 (hg19) VCF-style: chr6-91296567-CGAG-C.
Other names: c.21CTC[4], p.Ser14del (NM_003188.4, NM_145332.3, NM_145333.3); short protein forms S14del.
Identifiers: ClinVar variation 2845216 (VCV002845216.3), dbSNP rs745452796, ClinGen allele CA3928780.

ClinVar aggregate classification (germline): Uncertain significance (1 of 4 stars; one submission).

Submission:

Labcorp Genetics (formerly Invitae), Labcorp
Classification: Uncertain significance. Last evaluated: 2025-11-19. Review status: criteria provided, single submitter. Criteria: Invitae Variant Classification Sherloc (09022015). Collection method: clinical testing. Allele origin: germline.
Comment: This variant, c.33_35del, results in the deletion of 1 amino acid(s) of the MAP3K7 protein (p.Ser14del), but otherwise preserves the integrity of the reading frame. The frequency data for this variant in the population databases is considered unreliable, as metrics indicate poor data quality at this position in the gnomAD database. This variant has not been reported in the literature in individuals affected with MAP3K7-related conditions. Experimental studies and prediction algorithms are not available or were not evaluated, and the functional significance of this variant is currently unknown. In summary, the available evidence is currently insufficient to determine the role of this variant in disease. Therefore, it has been classified as a Variant of Uncertain Significance.